The following is an entry in ClinVar:

NM_000143.4(FH):c.638A>G (p.Lys213Arg)

Gene: FH (fumarate hydratase; minus strand). Cytogenetic location: 1q43.
Variant type: single nucleotide variant.
Coding change: c.638A>G on transcript NM_000143.4 (MANE Select); coding-DNA position 638, A replaced by G.
Protein change: p.Lys213Arg; replaces lysine 213 with arginine.
Molecular consequence: missense variant.
Genome position (GRCh38, 1-based): chr1:241,508,703, T>C on the plus strand (A>G on the coding strand, the complement: FH is on the minus strand). VCF-style: chr1-241508703-T-C. GRCh37 (hg19) VCF-style: chr1-241672003-T-C.
Other names: c.638A>G (NM_000143.3); short protein forms K213R.
Identifiers: ClinVar variation 1025223 (VCV001025223.8), dbSNP rs1659995341, ClinGen allele CA345439341.
Genomic context (GRCh38, chr1:241,508,703, plus strand): 5'-CGTCCAATCTTGATGATCTGTGCAAACTCTTTGGATTTTGCATCAAGAGCATCATGTAAC[T>C]TCTGTAGTCCTGGTAACAGTACTTCATGAACTTCTATTGCAGCAGCAATGTGCATTGCTG-3'
Protein context (NP_000134.2, residues 203-223): VHEVLLPGLQ[Lys213Arg]LHDALDAKSK

ClinVar aggregate classification (germline): Uncertain significance. Review status: criteria provided, multiple submitters, no conflicts (2 of 4 stars). 3 submissions from 3 submitters: Uncertain significance (3). Last evaluated 2026-07-06.

Conditions:
Hereditary cancer-predisposing syndrome. Also called: Tumor predisposition; Hereditary Cancer Syndrome; Hereditary neoplastic syndrome; Neoplastic Syndromes, Hereditary. Identifiers: Orphanet 140162, MedGen C0027672, MeSH D009386, MONDO:0015356.

Submissions (3):

Ambry Genetics
Classification: Uncertain significance for Hereditary cancer-predisposing syndrome. Last evaluated: 2026-07-06. Review status: criteria provided, single submitter. Criteria: Ambry Variant Classification Scheme 2023. Collection method: clinical testing. Allele origin: germline.
Comment: The p.K213R variant (also known as c.638A>G), located in coding exon 5 of the FH gene, results from an A to G substitution at nucleotide position 638. The lysine at codon 213 is replaced by arginine, an amino acid with highly similar properties. This amino acid position is conserved. In addition, the in silico prediction for this alteration is inconclusive. Based on the available evidence, the clinical significance of this variant remains unclear.

Quest Diagnostics Nichols Institute San Juan Capistrano
Classification: Uncertain significance. Last evaluated: 2025-10-07. Review status: criteria provided, single submitter. Criteria: Quest Diagnostics criteria. Collection method: clinical testing. Allele origin: unknown.
Comment: The FH c.638A>G (p.Lys213Arg) variant has been reported in the published literature in the somatic state in an individual with uterine leiomyoma (PMID: 32612247 (2020)). This variant has not been reported in large, multi-ethnic general populations (Genome Aggregation Database). Analysis of this variant using bioinformatics tools for the prediction of the effect of amino acid changes on protein structure and function yielded predictions that this variant is benign. Based on the available information, we are unable to determine the clinical significance of this variant.

Labcorp Genetics (formerly Invitae), Labcorp
Classification: Uncertain significance. Last evaluated: 2021-09-01. Review status: criteria provided, single submitter. Criteria: Invitae Variant Classification Sherloc (09022015). Collection method: clinical testing. Allele origin: germline.
Comment: This sequence change replaces lysine with arginine at codon 213 of the FH protein (p.Lys213Arg). The lysine residue is moderately conserved and there is a small physicochemical difference between lysine and arginine. This variant is not present in population databases (ExAC no frequency). This variant has not been reported in the literature in individuals affected with FH-related conditions. Advanced modeling of protein sequence and biophysical properties (such as structural, functional, and spatial information, amino acid conservation, physicochemical variation, residue mobility, and thermodynamic stability) performed at Invitae indicates that this missense variant is not expected to disrupt FH protein function. In summary, the available evidence is currently insufficient to determine the role of this variant in disease. Therefore, it has been classified as a Variant of Uncertain Significance.

Literature cited by the submitters: PubMed 32612247 (cited by Quest Diagnostics Nichols Institute San Juan Capistrano).